The following is an entry in ClinVar:

ClinVar aggregate classification (germline): Conflicting classifications of pathogenicity. Review status: criteria provided, conflicting classifications (1 of 4 stars). 16 submissions from 16 submitters: Uncertain significance (2); Benign (2); Likely benign (9). 3 of the submissions do not count toward it. Last evaluated 2026-09-29.

Conditions:
Hereditary cancer-predisposing syndrome. Also called: Neoplastic Syndromes, Hereditary; Tumor predisposition; Hereditary neoplastic syndrome; Hereditary Cancer Syndrome. Identifiers: Orphanet 140162, MedGen C0027672, MeSH D009386, MONDO:0015356.
Hereditary breast ovarian cancer syndrome. Also called: BRCA1- and BRCA2-Associated Hereditary Breast and Ovarian Cancer; Hereditary breast and/or ovarian cancer syndrome; Hereditary breast and ovarian cancer syndrome; Hereditary breast and ovarian cancer syndrome (HBOC); Hereditary breast and ovarian cancer; Breast and ovarian cancer. Identifiers: Orphanet 145, MedGen C0677776, MeSH D061325, MONDO:0003582. Disease mechanism: loss of function.
Inherited ovarian cancer (without breast cancer).
Inherited breast cancer and ovarian cancer.
Breast-ovarian cancer, familial, susceptibility to, 1 (BROVCA1). Also called: BRCA1 Hereditary Breast and Ovarian Cancer; OVARIAN CANCER, SUSCEPTIBILITY TO. Identifiers: Orphanet 145, MedGen C2676676, MONDO:0011450, OMIM 604370. Disease mechanism: loss of function.
Breast and/or ovarian cancer. Identifiers: MedGen CN221562.
Malignant tumor of breast. Also called: Malignant breast neoplasm; Cancer breast. Identifiers: MedGen C0006142, MONDO:0007254. Disease mechanism: loss of function.

gnomAD v4.1: 2 of 1,613,960 alleles (0.00012%); no homozygotes.

Submissions (16):

Cambridge Genomics Laboratory, East Genomic Laboratory Hub, NHS Genomic Medicine Service
Classification: Benign for Inherited breast cancer and ovarian cancer. Last evaluated: 2026-09-29. Review status: criteria provided, single submitter. Criteria: ACGS Best Practice Guidelines for Variant Classification in Rare Disease 2020. Collection method: clinical testing. Allele origin: germline. Affected: yes.
Comment: BP1_Strong,BP5_Strong

Labcorp Genetics (formerly Invitae), Labcorp
Classification: Likely benign for Hereditary breast ovarian cancer syndrome. Last evaluated: 2026-01-28. Review status: criteria provided, single submitter. Criteria: Invitae Variant Classification Sherloc (09022015). Collection method: clinical testing. Allele origin: germline.

Molecular Pathology, Peter Maccallum Cancer Centre
Classification: Benign for Breast-ovarian cancer, familial, susceptibility to, 1. Last evaluated: 2024-06-20. Review status: criteria provided, single submitter. Criteria: ACMG Guidelines, 2015. Collection method: clinical testing. Allele origin: germline. Inheritance: Autosomal dominant inheritance.

Genomics and Molecular Medicine Service, East Genomic Laboratory Hub, NHS Genomic Medicine Service
Classification: Likely benign for Inherited ovarian cancer (without breast cancer). Last evaluated: 2024-06-10. Review status: criteria provided, single submitter. Criteria: ACGS Best Practice Guidelines for Variant Classification in Rare Disease 2020. Collection method: clinical testing. Allele origin: germline. Affected: yes.
Comment: BP1,BP4

Quest Diagnostics Nichols Institute San Juan Capistrano
Classification: Likely benign. Last evaluated: 2024-03-11. Review status: criteria provided, single submitter. Criteria: Quest Diagnostics criteria. Collection method: clinical testing. Allele origin: unknown.

ARUP Laboratories, Molecular Genetics and Genomics, ARUP Laboratories
Classification: Likely benign. Last evaluated: 2023-09-08. Review status: criteria provided, single submitter. Criteria: ARUP Molecular Germline Variant Investigation Process 2024. Collection method: clinical testing. Allele origin: germline.

University of Washington Department of Laboratory Medicine, University of Washington
Classification: Likely benign for Hereditary cancer-predisposing syndrome. Last evaluated: 2023-03-23. Review status: criteria provided, single submitter. Criteria: Dines et al. (Genet Med. 2020). Collection method: curation. Allele origin: germline.
Comment: Missense variant in a coldspot region where missense variants are very unlikely to be pathogenic (PMID:31911673).

BRCA1 coldspot (exon 11 using historical exon numbering). Reclassification based on statistical prior probability

Women's Health and Genetics/Laboratory Corporation of America, LabCorp
Classification: Likely benign. Last evaluated: 2022-12-08. Review status: criteria provided, single submitter. Criteria: LabCorp Variant Classification Summary - May 2015. Collection method: clinical testing. Allele origin: germline.
Comment: Variant summary: BRCA1 c.2668G>A (p.Gly890Arg) results in a non-conservative amino acid change in the encoded protein sequence. Four of five in-silico tools predict a benign effect of the variant on protein function. The variant was absent in 251020 control chromosomes (gnomAD). The available data on variant occurrences in the general population are insufficient to allow any conclusion about variant significance. c.2668G>A has been reported in the literature in an individual affected with papillary serous carcinoma of the peritoneum with non-informative BRCA1 LOH, a p53 tumor alteration (p.Trp49X) in tumor and no LOH of p53 (Schorge_2000). It has also been reported in an individual with Hereditary Breast and Ovarian Cancer (Trujillano_2014). These reports do not provide unequivocal conclusions about association of the variant with Hereditary Breast And Ovarian Cancer Syndrome. At-least one co-occurrence with another pathogenic variant has been reported in the BIC database and at our laboratory (BRCA1 c.81-2del (IVS2-2delA)), providing supporting evidence for a benign role. To our knowledge, no experimental evidence demonstrating an impact on protein function has been reported. Seven ClinVar submitters (evaluation after 2014) cite this variant as likely benign (n=4) and uncertain significance (n=3). Based on the evidence outlined above, the variant was classified as likely benign.

CHEO Genetics Diagnostic Laboratory, Children's Hospital of Eastern Ontario
Classification: Uncertain significance for Breast and/or ovarian cancer. Last evaluated: 2022-07-05. Review status: criteria provided, single submitter. Criteria: ACMG Guidelines, 2015. Collection method: clinical testing. Allele origin: germline.

Sema4
Classification: Uncertain significance for Hereditary cancer-predisposing syndrome. Last evaluated: 2021-12-07. Review status: criteria provided, single submitter. Criteria: Sema4 Curation Guidelines. Collection method: curation. Allele origin: germline.
Comment: The BRCA1 c.2668G>A (p.G890R) variant has been reported in individuals with serous carcinoma of the peritoneum and breast and/or ovarian cancer (PMID: 10728699, 25556971, 32885271). It was not observed in the large and broad cohorts of the Genome Aggregation Database (PMID: 32461654). The variant has been reported in ClinVar (Variation ID 54634). Functional studies have not been performed, and in silico predictions of the variant's effect on protein function are inconclusive. The evidence is insufficient to meet ACMG/AMP criteria for classifying the variant as benign or pathogenic. Thus, the clinical significance of this variant is currently uncertain.

GeneDx
Classification: Likely benign. Last evaluated: 2020-12-14. Review status: criteria provided, single submitter. Criteria: GeneDx Variant Classification Process June 2021. Collection method: clinical testing. Allele origin: germline. Affected: yes.
Comment: Not observed in large population cohorts (Lek et al., 2016); In silico analysis supports that this missense variant does not alter protein structure/function; Also known as 2787G>A; Observed in an individual undergoing clinical BRCA1/2 testing (Trujillano 2015); This variant is associated with the following publications: (PMID: 12531920, 15235020, 15385441, 25556971, 31131967, 33087888)

Ambry Genetics
Classification: Likely benign for Hereditary cancer-predisposing syndrome. Last evaluated: 2018-05-21. Review status: criteria provided, single submitter. Criteria: Ambry Variant Classification Scheme 2023. Collection method: clinical testing. Allele origin: germline.

Color Diagnostics, LLC DBA Color Health
Classification: Likely benign for Hereditary cancer-predisposing syndrome. Last evaluated: 2015-08-13. Review status: criteria provided, single submitter. Criteria: ACMG Guidelines, 2015. Collection method: clinical testing. Allele origin: germline.

Counsyl
Classification: Uncertain significance for Breast-ovarian cancer, familial, susceptibility to, 1. Last evaluated: 2016-07-07. Review status: no assertion criteria provided. Collection method: clinical testing. Allele origin: unknown. Not counted in ClinVar's aggregate classification.

Breast Cancer Information Core (BIC) (BRCA1)
Classification: Uncertain significance for Breast-ovarian cancer, familial 1. Last evaluated: 2002-05-29. Review status: no assertion criteria provided. Collection method: clinical testing. Allele origin: germline. Affected: yes. Observed: 2 variant alleles. Not counted in ClinVar's aggregate classification.

Department of Pathology and Laboratory Medicine, Sinai Health System
Classification: Uncertain significance for Malignant tumor of breast. Review status: no assertion criteria provided. Collection method: clinical testing. Allele origin: unknown. Affected: yes. Study: The Canadian Open Genetics Repository (COGR). Not counted in ClinVar's aggregate classification.
Comment: The BRCA1 p.Gly890Arg variant was identified in 1 of 420 proband chromosomes (frequency: 0.002) from individuals or families with breast or ovarian cancer (Trujillano 2015). The variant was also identified in dbSNP (ID: rs80357200) as "With Uncertain significance allele", ClinVar (classified as uncertain significance by Ambry Genetics, GeneDx, Counsyl, Invitae, and BIC), Cosmic (1x in bone tissue), LOVD 3.0 (3x), and BIC Database (2x as unknown significance). The variant was not identified in UMD-LSDB, ARUP Laboratories, or Zhejiang University Database. The variant was not identified in the following control databases: the 1000 Genomes Project, the NHLBI GO Exome Sequencing Project, the Exome Aggregation Consortium (August 8th 2016), or the Genome Aggregation Database (Feb 27, 2017). The p.Gly890 residue is not conserved in mammals and 4 of 5 computational analyses (PolyPhen-2, SIFT, AlignGVGD, BLOSUM, MutationTaster) do not suggest a high likelihood of impact to the protein; however, this information is not predictive enough to rule out pathogenicity. The variant occurs outside of the splicing consensus sequence; however, 5 of 5 in silico or computational prediction software programs (SpliceSiteFinder, MaxEntScan, NNSPLICE, GeneSplicer, HumanSpliceFinder) predict a difference in splicing, suggesting that this variant may lead to aberrant splicing. In summary, based on the above information the clinical significance of this variant cannot be determined with certainty at this time. This variant is classified as a variant of uncertain significance.

Literature cited by the submitters: PubMed 32885271 (cited by Quest Diagnostics Nichols Institute San Juan Capistrano and Sema4); PubMed 25556971 (cited by 5 submitters); PubMed 15235020 (cited by 3 submitters); PubMed 12531920 (cited by 3 submitters); PubMed 31911673 (cited by Quest Diagnostics Nichols Institute San Juan Capistrano); PubMed 33087888 (cited by Quest Diagnostics Nichols Institute San Juan Capistrano and Women's Health and Genetics/Laboratory Corporation of America, LabCorp); PubMed 34981296 (cited by Quest Diagnostics Nichols Institute San Juan Capistrano); PubMed 36833189 (cited by Quest Diagnostics Nichols Institute San Juan Capistrano); PubMed 37335020 (cited by Quest Diagnostics Nichols Institute San Juan Capistrano); PubMed 10728699 (cited by 3 submitters); PubMed 15385441 (cited by Women's Health and Genetics/Laboratory Corporation of America, LabCorp).

NM_007294.4(BRCA1):c.2668G>A (p.Gly890Arg)

Gene: BRCA1 (BRCA1 DNA repair associated; minus strand). Cytogenetic location: 17q21.31.
Variant type: single nucleotide variant.
Coding change: c.2668G>A on transcript NM_007294.4 (MANE Select); coding-DNA position 2668, G replaced by A.
Protein change: p.Gly890Arg; replaces glycine 890 with arginine.
Molecular consequence: missense variant. On other transcripts: intron variant (137).
Genome position (GRCh38, 1-based): chr17:43,092,863, C>T on the plus strand (G>A on the coding strand, the complement: BRCA1 is on the minus strand). VCF-style: chr17-43092863-C-T. GRCh37 (hg19) VCF-style: chr17-41244880-C-T.
Other names: c.2455G>A, p.Gly819Arg (NM_001407571.1, NM_001407915.1, NM_001407916.1 and 9 more transcripts); c.2668G>A, p.Gly890Arg (NM_001407581.1, NM_001407582.1, NM_001407583.1 and 30 more transcripts); c.2665G>A, p.Gly889Arg (NM_001407587.1, NM_001407590.1, NM_001407591.1 and 22 more transcripts); c.2590G>A, p.Gly864Arg (NM_001407655.1, NM_001407656.1, NM_001407657.1 and 4 more transcripts); c.2587G>A, p.Gly863Arg (NM_001407659.1, NM_001407660.1, NM_001407661.1 and 1 more transcripts); c.2545G>A, p.Gly849Arg (NM_001407674.1, NM_001407675.1, NM_001407676.1 and 19 more transcripts); c.2527G>A, p.Gly843Arg (NM_001407694.1, NM_001407695.1, NM_001407696.1 and 29 more transcripts); c.2524G>A, p.Gly842Arg (NM_001407740.1, NM_001407741.1, NM_001407742.1 and 20 more transcripts); and 41 more; short protein forms G890R, G843R, G779R, G823R, G842R, G594R, G778R, G801R.
Identifiers: ClinVar variation 54634 (VCV000054634.47), dbSNP rs80357200, ClinGen allele CA001745.